The following is an entry in ClinVar:

ClinVar aggregate classification (germline): Uncertain significance (1 of 4 stars; one submission).

Submission:

GeneDx
Classification: Uncertain significance. Last evaluated: 2022-10-26. Review status: criteria provided, single submitter. Criteria: GeneDx Variant Classification Process June 2021. Collection method: clinical testing. Allele origin: germline. Affected: yes.
Comment: Not observed at significant frequency in large population cohorts (gnomAD); In silico analysis supports that this missense variant has a deleterious effect on protein structure/function; Has not been previously published as pathogenic or benign to our knowledge

NM_015192.4(PLCB1):c.1195G>A (p.Ala399Thr)

Gene: PLCB1 (phospholipase C beta 1; plus strand). Cytogenetic location: 20p12.3.
Variant type: single nucleotide variant.
Coding change: c.1195G>A on transcript NM_015192.4 (MANE Select); coding-DNA position 1195, G replaced by A.
Protein change: p.Ala399Thr; replaces alanine 399 with threonine.
Molecular consequence: missense variant.
Genome position (GRCh38, 1-based): chr20:8,708,697, G>A. VCF-style: chr20-8708697-G-A. GRCh37 (hg19) VCF-style: chr20-8689344-G-A.
Other names: c.1195G>A, p.Ala399Thr (NM_182734.3); short protein forms A399T.
Identifiers: ClinVar variation 2500386 (VCV002500386.1), dbSNP rs2515259175, ClinGen allele CA408198575.